The following is an entry in ClinVar:

NM_001289104.2(PRKCSH):c.349A>C (p.Lys117Gln)

Gene: PRKCSH (PRKCSH beta subunit of glucosidase II; plus strand). Cytogenetic location: 19p13.2.
Variant type: single nucleotide variant.
Coding change: c.349A>C on transcript NM_001289104.2 (MANE Select); coding-DNA position 349, A replaced by C.
Protein change: p.Lys117Gln; replaces lysine 117 with glutamine.
Molecular consequence: missense variant.
Genome position (GRCh38, 1-based): chr19:11,438,123, A>C. VCF-style: chr19-11438123-A-C. GRCh37 (hg19) VCF-style: chr19-11548944-A-C.
Other names: c.349A>C, p.Lys117Gln (NM_001001329.3, NM_001289102.2, NM_001289103.2 and 3 more transcripts); short protein forms K117Q.
Identifiers: ClinVar variation 2070029 (VCV002070029.5), dbSNP rs746717003, ClinGen allele CA9212793.

ClinVar aggregate classification (germline): Uncertain significance. Review status: criteria provided, multiple submitters, no conflicts (2 of 4 stars). 2 submissions from 2 submitters: Uncertain significance (2). Last evaluated 2025-10-13.

Conditions:
Inborn genetic diseases. Identifiers: MedGen C0950123, MeSH D030342.

Allele frequency attached by ClinVar (database versions not stated): ExAC 0.00001; gnomAD 0.00002.
gnomAD v4.1: 19 of 1,613,950 alleles (0.0012%); highest among the groups gnomAD compares: Admixed American, 0.032%; no homozygotes.

Submissions (2):

Labcorp Genetics (formerly Invitae), Labcorp
Classification: Uncertain significance. Last evaluated: 2025-10-13. Review status: criteria provided, single submitter. Criteria: Invitae Variant Classification Sherloc (09022015). Collection method: clinical testing. Allele origin: germline.
Comment: This sequence change replaces lysine, which is basic and polar, with glutamine, which is neutral and polar, at codon 117 of the PRKCSH protein (p.Lys117Gln). This variant is present in population databases (rs746717003, gnomAD 0.04%), and has an allele count higher than expected for a pathogenic variant. This variant has not been reported in the literature in individuals affected with PRKCSH-related conditions. ClinVar contains an entry for this variant (Variation ID: 2070029). An algorithm developed to predict the effect of missense changes on protein structure and function (PolyPhen-2) suggests that this variant is likely to be tolerated. Algorithms developed to predict the effect of sequence changes on RNA splicing suggest that this variant may disrupt the consensus splice site. In summary, the available evidence is currently insufficient to determine the role of this variant in disease. Therefore, it has been classified as a Variant of Uncertain Significance.

Ambry Genetics
Classification: Uncertain significance for Inborn genetic diseases. Last evaluated: 2021-12-06. Review status: criteria provided, single submitter. Criteria: Ambry Variant Classification Scheme 2023. Collection method: clinical testing. Allele origin: germline.